The following is an entry in ClinVar:

ClinVar aggregate classification (germline): Benign/Likely benign. Review status: criteria provided, multiple submitters, no conflicts (2 of 4 stars). 2 submissions from 2 submitters: Benign (1); Likely benign (1). Last evaluated 2026-01-28.

Conditions:
Spastic paraplegia. Identifiers: MedGen C0037772, HP:0001258.

Allele frequency attached by ClinVar (database versions not stated): ExAC 0.00003; gnomAD exomes 0.00003; gnomAD 0.00005 and 0.00006; TOPMed 0.00006; 1000 Genomes Project 30x 0.00042; 1000 Genomes Project 0.00053.
gnomAD v4.1: 38 of 1,208,450 alleles (0.0031%); highest among the groups gnomAD compares: African/African-American, 0.023%; no homozygotes.

Submissions (2):

Labcorp Genetics (formerly Invitae), Labcorp
Classification: Benign for Spastic paraplegia. Last evaluated: 2026-01-28. Review status: criteria provided, single submitter. Criteria: Invitae Variant Classification Sherloc (09022015). Collection method: clinical testing. Allele origin: germline.

CeGaT Center for Human Genetics Tuebingen
Classification: Likely benign. Last evaluated: 2023-01-01. Review status: criteria provided, single submitter. Criteria: CeGaT Center For Human Genetics Tuebingen Variant Classification Criteria Version 2. Collection method: clinical testing. Allele origin: germline. Affected: yes. Observed: 1 variant allele.
Comment: L1CAM: BP4, BP7, BS2

NM_001278116.2(L1CAM):c.798C>T (p.Ala266=)

Gene: L1CAM (L1 cell adhesion molecule; minus strand). Cytogenetic location: Xq28.
Variant type: single nucleotide variant.
Coding change: c.798C>T on transcript NM_001278116.2 (MANE Select); coding-DNA position 798, C replaced by T.
Protein change: p.Ala266=; no amino-acid change (alanine 266 retained).
Molecular consequence: synonymous variant.
Genome position (GRCh38, 1-based): chrX:153,870,396, G>A on the plus strand (C>T on the coding strand, the complement: L1CAM is on the minus strand). VCF-style: chrX-153870396-G-A. GRCh37 (hg19) VCF-style: chrX-153135851-G-A.
Other names: c.798C>T, p.Ala266= (NM_000425.5, NM_024003.3); c.783C>T, p.Ala261= (NM_001143963.2).
Identifiers: ClinVar variation 1167720 (VCV001167720.33), dbSNP rs111597352, ClinGen allele CA10554506.